The following is an entry in ClinVar:

NM_005334.3(HCFC1):c.4984G>A (p.Val1662Met)

Gene: HCFC1 (host cell factor C1; minus strand). Cytogenetic location: Xq28.
Variant type: single nucleotide variant.
Coding change: c.4984G>A on transcript NM_005334.3 (MANE Select); coding-DNA position 4984, G replaced by A.
Protein change: p.Val1662Met; replaces valine 1662 with methionine.
Molecular consequence: missense variant.
Genome position (GRCh38, 1-based): chrX:153,952,117, C>T on the plus strand (G>A on the coding strand, the complement: HCFC1 is on the minus strand). VCF-style: chrX-153952117-C-T. GRCh37 (hg19) VCF-style: chrX-153217568-C-T.
Other names: short protein forms V1662M.
Identifiers: ClinVar variation 392726 (VCV000392726.10), dbSNP rs782467999, ClinGen allele CA10556872.

ClinVar aggregate classification (germline): Conflicting classifications of pathogenicity. Review status: criteria provided, conflicting classifications (1 of 4 stars). 4 submissions from 4 submitters: Uncertain significance (2); Likely benign (2). Last evaluated 2026-08-18.

Conditions:
Methylmalonic acidemia with homocystinuria, type cblX (MAHCX). Also called: INTELLECTUAL DEVELOPMENTAL DISORDER, X-LINKED 3. Identifiers: Orphanet 369962, MedGen C0796208, MONDO:0010657, OMIM 309541.
Inborn genetic diseases. Identifiers: MedGen C0950123, MeSH D030342.

Allele frequency attached by ClinVar (database versions not stated): gnomAD 0.00001; gnomAD exomes 0.00001; TOPMed 0.00004; ExAC 0.00009.
gnomAD v4.1: 17 of 1,141,371 alleles (0.0015%); highest among the groups gnomAD compares: Middle Eastern, 0.029%; no homozygotes.

Submissions (4):

Ambry Genetics
Classification: Uncertain significance for Inborn genetic diseases. Last evaluated: 2026-08-18. Review status: criteria provided, single submitter. Criteria: Ambry Variant Classification Scheme 2023. Collection method: clinical testing. Allele origin: germline.
Comment: The c.4984G>A (p.V1662M) alteration is located in exon 20 (coding exon 20) of the HCFC1 gene. This alteration results from a G to A substitution at nucleotide position 4984, causing the valine (V) at amino acid position 1662 to be replaced by a methionine (M). Based on data from gnomAD, the A allele has an overall frequency of 0.001% (1/88427) total alleles studied. The highest observed frequency was 0.014% (1/7163) of African alleles. Based on insufficient or conflicting evidence, the clinical significance of this alteration remains unclear.

CeGaT Center for Human Genetics Tuebingen
Classification: Likely benign. Last evaluated: 2026-01-01. Review status: criteria provided, single submitter. Criteria: CeGaT Center For Human Genetics Tuebingen Variant Classification Criteria Version 2. Collection method: clinical testing. Allele origin: germline. Affected: yes. Observed: 1 variant allele.
Comment: HCFC1: BS2

Labcorp Genetics (formerly Invitae), Labcorp
Classification: Likely benign for Methylmalonic acidemia with homocystinuria, type cblX. Last evaluated: 2023-06-25. Review status: criteria provided, single submitter. Criteria: Invitae Variant Classification Sherloc (09022015). Collection method: clinical testing. Allele origin: germline.

GeneDx
Classification: Uncertain significance. Last evaluated: 2017-01-20. Review status: criteria provided, single submitter. Criteria: GeneDx Variant Classification (06012015). Collection method: clinical testing. Allele origin: germline. Affected: yes.
Comment: The V1662M variant in the HCFC1 gene has not been reported previously as a pathogenic variant, nor as a benign variant, to our knowledge. The V1662M variant was not observed with any significant frequency in the Exome Aggregation Consortium (ExAC) data set, indicating it is not a common benign variant. The V1662M variant is a conservative amino acid substitution, which is not likely to impact secondary protein structure as these residues share similar properties. This substitution occurs at a position that is conserved across species. In silico analysis is inconsistent in its predictions as to whether or not the variant is damaging to the protein structure/function. We interpret V1662M as a variant of uncertain significance.